The following is an entry in ClinVar:

NM_002693.3(POLG):c.1276G>A (p.Gly426Ser)

Gene: POLG (DNA polymerase gamma, catalytic subunit; minus strand). Cytogenetic location: 15q26.1.
Variant type: single nucleotide variant.
Coding change: c.1276G>A on transcript NM_002693.3 (MANE Select); coding-DNA position 1276, G replaced by A.
Protein change: p.Gly426Ser; replaces glycine 426 with serine.
Molecular consequence: missense variant.
Genome position (GRCh38, 1-based): chr15:89,327,324, C>T on the plus strand (G>A on the coding strand, the complement: POLG is on the minus strand). VCF-style: chr15-89327324-C-T. GRCh37 (hg19) VCF-style: chr15-89870555-C-T.
Other names: c.1276G>A, p.Gly426Ser (NM_001126131.2); short protein forms G426S.
Identifiers: ClinVar variation 458687 (VCV000458687.21), dbSNP rs775576189, ClinGen allele CA7724884.

ClinVar aggregate classification (germline): Pathogenic/Likely pathogenic. Review status: criteria provided, multiple submitters, no conflicts (2 of 4 stars). 8 submissions from 8 submitters: Pathogenic (1); Likely pathogenic (6). 1 of the submissions does not count toward it. Last evaluated 2026-08-31.

Conditions:
POLG-related disorder. Also called: POLG-related condition; POLG-Related Disorders; POLG-Related Spectrum Disorders. Identifiers: MedGen C4763519.
Mitochondrial DNA depletion syndrome. Also called: mitochondrial DNA depletion. Identifiers: Orphanet 35698, MedGen C0342782, MONDO:0018158.
Sensory ataxic neuropathy, dysarthria, and ophthalmoparesis (SANDO). Also called: Epilepsy, progressive myoclonic, type 5; SENSORY ATAXIC NEUROPATHY WITH MITOCHONDRIAL DNA DELETIONS, AUTOSOMAL RECESSIVE; Sensory ataxic neuropathy-dysarthria-ophthalmoparesis syndrome; Ataxia Neuropathy Spectrum (ANS). Identifiers: Orphanet 70595, MedGen C1843851, MONDO:0011835, OMIM 607459.
Mitochondrial DNA depletion syndrome 4b. Also called: Mitochondrial Neurogastrointestinal Encephalopathy Disease, POLG-Related; MNGIE, POLG-RELATED. Identifiers: Orphanet 298, MedGen C3150914, MONDO:0013350, OMIM 613662.
Progressive external ophthalmoplegia with mitochondrial DNA deletions, autosomal dominant 1 (PEOA1). Also called: PROGRESSIVE EXTERNAL OPHTHALMOPLEGIA, AUTOSOMAL DOMINANT 1; Autosomal Dominant Progressive External Ophthalmoplegia (adPEO). Identifiers: MedGen C1834846, MONDO:0024528, OMIM 157640.
Progressive external ophthalmoplegia with mitochondrial DNA deletions, autosomal recessive 1 (PEOB1). Also called: Autosomal Recessive Progressive External Ophthalmoplegia (arPEO); Progressive external ophthalmoplegia, autosomal recessive 1. Identifiers: Orphanet 254886, MedGen C4225153, MONDO:0009783, OMIM 258450.
Mitochondrial DNA depletion syndrome 1. Also called: Mitochondrial neurogastrointestinal encephalomyopathy syndrome; POLIP SYNDROME; POLYNEUROPATHY, OPHTHALMOPLEGIA, LEUKOENCEPHALOPATHY, AND INTESTINAL PSEUDOOBSTRUCTION; Mitochondrial Neurogastrointestinal Encephalopathy Disease; MITOCHONDRIAL NEUROGASTROINTESTINAL ENCEPHALOPATHY SYNDROME, TYMP-RELATED; MNGIE, TYMP-RELATED. Identifiers: Orphanet 298, MedGen C4551995, MONDO:0011283, OMIM 603041.
Progressive sclerosing poliodystrophy (MTDPS4A). Also called: Alpers-Huttenlocher Syndrome (AHS); ALPERS PROGRESSIVE INFANTILE POLIODYSTROPHY; NEURONAL DEGENERATION OF CHILDHOOD WITH LIVER DISEASE, PROGRESSIVE; ALPERS DIFFUSE DEGENERATION OF CEREBRAL GRAY MATTER WITH HEPATIC CIRRHOSIS; Alpers-Huttenlocher Syndrome; Alpers Syndrome. Identifiers: Orphanet 726, MedGen C0205710, MONDO:0008758, OMIM 203700.

Allele frequency attached by ClinVar (database versions not stated): TOPMed 0.00001.
gnomAD v4.1: 24 of 1,613,732 alleles (0.0015%); highest among the groups gnomAD compares: South Asian, 0.0022%; no homozygotes.

Submissions (8):

Institute of Medical Genetics and Applied Genomics, University Hospital Tübingen
Classification: Likely pathogenic for Progressive external ophthalmoplegia with mitochondrial DNA deletions, autosomal recessive 1. Last evaluated: 2026-08-31. Review status: criteria provided, single submitter. Criteria: ACMG Guidelines, 2015. Collection method: clinical testing. Allele origin: germline. Inheritance: Autosomal recessive inheritance. Affected: yes.
Comment: compound heterozygous

PreventionGenetics, part of Exact Sciences
Classification: Likely pathogenic for POLG-related condition. Last evaluated: 2026-03-02. Review status: criteria provided, single submitter. Criteria: ACMG Guidelines, 2015. Collection method: clinical testing. Allele origin: germline.
Comment: The POLG c.1276G>A variant is predicted to result in the amino acid substitution p.Gly426Ser. This variant has been reported in the homozygous state or with a second POLG variant in individuals with chronic progressive external ophthalmoplegia (Lehmann et al. 2019. PubMed ID: 31147703; van Kempen et al. 2022. PubMed ID: 35190254). It has also been reported in the compound heterozygous state with a second pathogenic POLG variant in a patient with intractable seizures, abnormal EEG, and abnormal brain MRI (supplementary data, Tang et al. 2011. PubMed ID: 21880868). This variant is classified pathogenic or likely pathogenic in ClinVar (Variation ID: 458687). This variant is reported in 0.0099% of alleles in individuals of Ashkenazi Jewish descent in gnomAD. This variant is interpreted as likely pathogenic.

Labcorp Genetics (formerly Invitae), Labcorp
Classification: Likely pathogenic for Progressive sclerosing poliodystrophy. Last evaluated: 2025-03-03. Review status: criteria provided, single submitter. Criteria: Invitae Variant Classification Sherloc (09022015). Collection method: clinical testing. Allele origin: germline.
Comment: This sequence change replaces glycine, which is neutral and non-polar, with serine, which is neutral and polar, at codon 426 of the POLG protein (p.Gly426Ser). This variant is present in population databases (rs775576189, gnomAD 0.01%). This missense change has been observed in individual(s) with clinical features of autosomal recessive POLG-related conditions and/or clinical features of POLG-related conditions (PMID: 19578034, 21880868; internal data). In at least one individual the data is consistent with being in trans (on the opposite chromosome) from a pathogenic variant. ClinVar contains an entry for this variant (Variation ID: 458687). Invitae Evidence Modeling of protein sequence and biophysical properties (such as structural, functional, and spatial information, amino acid conservation, physicochemical variation, residue mobility, and thermodynamic stability) indicates that this missense variant is expected to disrupt POLG protein function with a positive predictive value of 95%. In summary, the currently available evidence indicates that the variant is pathogenic, but additional data are needed to prove that conclusively. Therefore, this variant has been classified as Likely Pathogenic.

Women's Health and Genetics/Laboratory Corporation of America, LabCorp
Classification: Likely pathogenic for Mitochondrial DNA depletion syndrome. Last evaluated: 2025-01-06. Review status: criteria provided, single submitter. Criteria: LabCorp Variant Classification Summary - May 2015. Collection method: clinical testing. Allele origin: germline.
Comment: Variant summary: POLG c.1276G>A (p.Gly426Ser) results in a non-conservative amino acid change in the encoded protein sequence. Five of five in-silico tools predict a damaging effect of the variant on protein function. The variant allele was found at a frequency of 2e-05 in 250804 control chromosomes. c.1276G>A has been reported in the literature in the homozygous and compound heterozygous states in individuals affected with POLG-related disorders (Tang_2011, BLok_2009, Lehman_2019, Labcorp Genetics (formerly Invitae). These data indicate that the variant is likely to be associated with disease. To our knowledge, no experimental evidence demonstrating an impact on protein function has been reported. The following publications have been ascertained in the context of this evaluation (PMID: 19578034, 31147703, 21880868). ClinVar contains an entry for this variant (Variation ID: 458687). Based on the evidence outlined above, the variant was classified as likely pathogenic.

Baylor Genetics
Classification: Pathogenic for Progressive sclerosing poliodystrophy. Last evaluated: 2023-10-09. Review status: criteria provided, single submitter. Criteria: ACMG Guidelines, 2015. Collection method: clinical testing. Allele origin: unknown.

GeneDx
Classification: Likely pathogenic. Last evaluated: 2019-12-16. Review status: criteria provided, single submitter. Criteria: GeneDx Variant Classification Process June 2021. Collection method: clinical testing. Allele origin: germline. Affected: yes.
Comment: Not observed at a significant frequency in large population cohorts (Lek et al., 2016); In silico analysis, which includes protein predictors and evolutionary conservation, supports a deleterious effect; In-silico analysis, which includes splice predictors and evolutionary conservation, is inconclusive as to whether the variant alters gene splicing. In the absence of RNA/functional studies, the actual effect of this sequence change is unknown.; This variant is associated with the following publications: (PMID: 21880868, 19578034, 19309282)

Wong Mito Lab, Molecular and Human Genetics, Baylor College of Medicine
Classification: Likely pathogenic for Progressive sclerosing poliodystrophy. Last evaluated: 2018-10-01. Review status: criteria provided, single submitter. Criteria: ACMG Guidelines, 2015. Collection method: clinical testing. Allele origin: germline.
Comment: The NM_002693.2:c.1276G>A (NP_002684.1:p.Gly426Ser) [GRCH38: NC_000015.10:g.89327324C>T] variant in POLG gene is interpretated to be a Likely Pathogenic based on ACMG guidelines (PMID: 25741868). This variant meets the following evidence codes reported in the ACMG-guideline. PM2:This variant is absent in key population databases. PM3:Detected in trans with a pathogenic variant for Mitochondrial DNA depletion syndrome 4A (Alpers type) which is a recessive disorder. PP1:This variant is co-segregated with Mitochondrial DNA depletion syndrome 4A (Alpers type) in multiple affected family members. PP2:This is a missense variant in POLG with a low rate of benign and high rate of pathogenic missense variations. PP3:Computational evidence/predictors indicate the variant has deleterious effect on POLG structure, function, or protein-protein interaction. PP4:Patient's phenotype or family history is highly specific for POLG. Based on the evidence criteria codes applied, the variant is suggested to be Likely Pathogenic.

Fulgent Genetics
Classification: Uncertain significance for Progressive external ophthalmoplegia with mitochondrial DNA deletions, autosomal dominant 1; Progressive sclerosing poliodystrophy; Progressive external ophthalmoplegia with mitochondrial DNA deletions, autosomal recessive 1; Mitochondrial DNA depletion syndrome 1; Sensory ataxic neuropathy, dysarthria, and ophthalmoparesis; Mitochondrial DNA depletion syndrome 4b. Last evaluated: 2018-10-31. Review status: flagged submission. Criteria: ACMG Guidelines, 2015. Collection method: clinical testing. Allele origin: unknown. Not counted in ClinVar's aggregate classification.
ClinVar note: Reason: Outlier claim with insufficient supporting evidence

Literature cited by the submitters: PubMed 19578034 (cited by Labcorp Genetics (formerly Invitae), Labcorp and Women's Health and Genetics/Laboratory Corporation of America, LabCorp); PubMed 21880868 (cited by Labcorp Genetics (formerly Invitae), Labcorp and Women's Health and Genetics/Laboratory Corporation of America, LabCorp); PubMed 31147703 (cited by Women's Health and Genetics/Laboratory Corporation of America, LabCorp).